The following is an entry in ClinVar:

NM_139318.5(KCNH5):c.2043T>A (p.Asp681Glu)

Gene: KCNH5 (potassium voltage-gated channel subfamily H member 5; minus strand). Cytogenetic location: 14q23.2.
Variant type: single nucleotide variant.
Coding change: c.2043T>A on transcript NM_139318.5 (MANE Select); coding-DNA position 2043, T replaced by A.
Protein change: p.Asp681Glu; replaces aspartic acid 681 with glutamic acid.
Molecular consequence: missense variant. On other transcripts: 3 prime UTR variant (1).
Genome position (GRCh38, 1-based): chr14:62,708,432, A>T on the plus strand (T>A on the coding strand, the complement: KCNH5 is on the minus strand). VCF-style: chr14-62708432-A-T. GRCh37 (hg19) VCF-style: chr14-63175150-A-T.
Other names: c.*10T>A (NM_172375.3); short protein forms D681E.
Identifiers: ClinVar variation 4995629 (VCV004995629.1).

ClinVar aggregate classification (germline): Uncertain significance (1 of 4 stars; one submission).

Conditions:
KCNH5-related disorder. Also called: KCNH5-related condition.

Submission:

PreventionGenetics, part of Exact Sciences
Classification: Uncertain significance for KCNH5-related condition. Last evaluated: 2025-08-21. Review status: criteria provided, single submitter. Criteria: ACMG Guidelines, 2015. Collection method: clinical testing. Allele origin: germline.
Comment: The KCNH5 c.2043T>A variant is predicted to result in the amino acid substitution p.Asp681Glu. To our knowledge, this variant has not been reported in the literature or in a large population database (gnomAD), indicating this variant is rare. At this time, the clinical significance of this variant is uncertain due to the absence of conclusive functional and genetic evidence.